The following is an entry in ClinVar:

ClinVar aggregate classification (germline): Conflicting classifications of pathogenicity. Review status: criteria provided, conflicting classifications (1 of 4 stars). 5 submissions from 5 submitters: Uncertain significance (1); Likely benign (4). Last evaluated 2024-09-01.

Allele frequency attached by ClinVar (database versions not stated): 1000 Genomes Project 30x 0.00078; 1000 Genomes Project 0.00080; TOPMed 0.00176; gnomAD 0.00211 and 0.00222; gnomAD exomes 0.00252.
gnomAD v4.1: 2,264 of 926,678 alleles (0.24%); highest among the groups gnomAD compares: Non-Finnish European, 0.3%; 5 homozygotes.

Submissions (5):

Revvity Omics, Revvity
Classification: Likely benign. Last evaluated: 2024-09-01. Review status: criteria provided, single submitter. Criteria: ACMG Guidelines, 2015. Collection method: clinical testing. Allele origin: germline.

Labcorp Genetics (formerly Invitae), Labcorp
Classification: Likely benign. Last evaluated: 2022-02-04. Review status: criteria provided, single submitter. Criteria: Invitae Variant Classification Sherloc (09022015). Collection method: clinical testing. Allele origin: germline.

GeneDx
Classification: Likely benign. Last evaluated: 2019-04-08. Review status: criteria provided, single submitter. Criteria: GeneDx Variant Classification Process June 2021. Collection method: clinical testing. Allele origin: germline. Affected: yes.
Comment: This variant is associated with the following publications: (PMID: 12673280)

Center for Pediatric Genomic Medicine, Children's Mercy Hospital and Clinics
Classification: Uncertain significance. Last evaluated: 2017-03-03. Review status: criteria provided, single submitter. Criteria: ACMG Guidelines, 2015. Collection method: clinical testing. Allele origin: germline.

PreventionGenetics, part of Exact Sciences
Classification: Likely benign. Review status: criteria provided, single submitter. Criteria: ACMG Guidelines, 2015. Collection method: clinical testing. Allele origin: germline.

NM_001854.4(COL11A1):c.2556+92T>A

Gene: COL11A1 (collagen type XI alpha 1 chain; minus strand). Cytogenetic location: 1p21.1.
Variant type: single nucleotide variant.
Coding change: c.2556+92T>A on transcript NM_001854.4 (MANE Select); 92 bases into the intron after coding-DNA position 2556, T replaced by A.
Molecular consequence: intron variant.
Genome position (GRCh38, 1-based): chr1:102,984,046, A>T on the plus strand (T>A on the coding strand, the complement: COL11A1 is on the minus strand). VCF-style: chr1-102984046-A-T. GRCh37 (hg19) VCF-style: chr1-103449602-A-T.
Other names: c.2439+92T>A (NM_001190709.2); c.2592+92T>A (NM_080629.3); c.2208+92T>A (NM_080630.4).
Identifiers: ClinVar variation 258444 (VCV000258444.17), dbSNP rs550991929, ClinGen allele CA10586705.